The following is an entry in ClinVar:

ClinVar aggregate classification (germline): Pathogenic (1 of 4 stars; one submission).

Conditions:
Osteogenesis imperfecta type I (OI1). Also called: Lobstein's Disease; Lobstein disease; Classic Non-deforming Osteogenesis Imperfecta with Blue Sclerae; OI, TYPE I; OSTEOGENESIS IMPERFECTA TARDA; OSTEOGENESIS IMPERFECTA WITH BLUE SCLERAE. Identifiers: Orphanet 216796, Orphanet 666, MedGen C0023931, MONDO:0008146, OMIM 166200. Disease mechanism: loss of function.

Submission:

Labcorp Genetics (formerly Invitae), Labcorp
Classification: Pathogenic for Osteogenesis imperfecta type I. Last evaluated: 2019-03-29. Review status: criteria provided, single submitter. Criteria: Invitae Variant Classification Sherloc (09022015). Collection method: clinical testing. Allele origin: germline.
Comment: This variant is a gross deletion of the genomic region encompassing exons 27-51 of the COL1A1 gene. The 5' boundary is likely confined to intron 26. The 3' end of this event is unknown as it extends through the termination codon beyond the assayed region for this gene and may encompass additional genes. While this deletion is not anticipated to result in nonsense mediated decay, it is expected to create a truncated protein product or disrupt mRNA translation. This variant has not been reported in the literature in individuals with COL1A1-related conditions. For these reasons, this variant has been classified as Pathogenic. Sub-genic deletion of exons 40-41 has been determined to be pathogenic (PMID: 22753364,¬†18996919, Invitae). Therefore, deletions that fully encompass that region are also expected to be pathogenic.

Literature cited by the submitters: PubMed 22753364.

NC_000017.11:g.(?_50185482)_(50192870_?)del

Gene: COL1A1 (collagen type I alpha 1 chain; minus strand). Cytogenetic location: 17q21.33.
Variant type: Deletion.
Identifiers: ClinVar variation 830737 (VCV000830737.3).